The following is an entry in ClinVar:

NM_017514.5(PLXNA3):c.5331C>T (p.Tyr1777=)

Gene: PLXNA3 (plexin A3; plus strand). Cytogenetic location: Xq28.
Variant type: single nucleotide variant.
Coding change: c.5331C>T on transcript NM_017514.5 (MANE Select); coding-DNA position 5331, C replaced by T.
Protein change: p.Tyr1777=; no amino-acid change (tyrosine 1777 retained).
Molecular consequence: synonymous variant.
Genome position (GRCh38, 1-based): chrX:154,471,279, C>T. VCF-style: chrX-154471279-C-T. GRCh37 (hg19) VCF-style: chrX-153699622-C-T.
Identifiers: ClinVar variation 3053499 (VCV003053499.2), dbSNP rs199507126, ClinGen allele CA10565093.

ClinVar aggregate classification (germline): Likely benign (0 of 4 stars; one submission).

Conditions:
PLXNA3-related disorder. Also called: PLXNA3-related condition.

Allele frequency attached by ClinVar (database versions not stated): gnomAD 0.00005; ESP Exome Variant Server 0.00009; TOPMed 0.00009; gnomAD exomes 0.00015; ExAC 0.00029; 1000 Genomes Project 30x 0.00042; 1000 Genomes Project 0.00053.
gnomAD v4.1: 168 of 1,209,928 alleles (0.014%); highest among the groups gnomAD compares: East Asian, 0.43%; no homozygotes.

Submission:

PreventionGenetics, part of Exact Sciences
Classification: Likely benign for PLXNA3-related condition. Last evaluated: 2019-08-30. Review status: no assertion criteria provided. Collection method: clinical testing. Allele origin: germline.
Comment: This variant is classified as likely benign based on ACMG/AMP sequence variant interpretation guidelines (Richards et al. 2015 PMID: 25741868, with internal and published modifications).